The following is an entry in ClinVar:

NM_019066.5(MAGEL2):c.3447C>T (p.Leu1149=)

Gene: MAGEL2 (MAGE family member L2; minus strand). Cytogenetic location: 15q11.2.
Variant type: single nucleotide variant.
Coding change: c.3447C>T on transcript NM_019066.5 (MANE Select); coding-DNA position 3447, C replaced by T.
Protein change: p.Leu1149=; no amino-acid change (leucine 1149 retained).
Molecular consequence: synonymous variant.
Genome position (GRCh38, 1-based): chr15:23,644,296, G>A on the plus strand (C>T on the coding strand, the complement: MAGEL2 is on the minus strand). VCF-style: chr15-23644296-G-A. GRCh37 (hg19) VCF-style: chr15-23889443-G-A.
Identifiers: ClinVar variation 4702588 (VCV004702588.1).

ClinVar aggregate classification (germline): Uncertain significance (1 of 4 stars; one submission).

Submission:

Labcorp Genetics (formerly Invitae), Labcorp
Classification: Uncertain significance. Last evaluated: 2025-04-01. Review status: criteria provided, single submitter. Criteria: Invitae Variant Classification Sherloc (09022015). Collection method: clinical testing. Allele origin: germline.
Comment: This sequence change affects codon 1149 of the MAGEL2 mRNA. It is a 'silent' change, meaning that it does not change the encoded amino acid sequence of the MAGEL2 protein. This variant is not present in population databases (gnomAD no frequency). This variant has not been reported in the literature in individuals affected with MAGEL2-related conditions. In summary, the available evidence is currently insufficient to determine the role of this variant in disease. Therefore, it has been classified as a Variant of Uncertain Significance.